The following is an entry in ClinVar:

NM_005548.3(KARS1):c.968G>A (p.Arg323Gln)

Gene: KARS1 (lysyl-tRNA synthetase 1; minus strand). Cytogenetic location: 16q23.1.
Variant type: single nucleotide variant.
Coding change: c.968G>A on transcript NM_005548.3 (MANE Select); coding-DNA position 968, G replaced by A.
Protein change: p.Arg323Gln; replaces arginine 323 with glutamine.
Molecular consequence: missense variant.
Genome position (GRCh38, 1-based): chr16:75,631,803, C>T on the plus strand (G>A on the coding strand, the complement: KARS1 is on the minus strand). VCF-style: chr16-75631803-C-T. GRCh37 (hg19) VCF-style: chr16-75665701-C-T.
Other names: c.1052G>A, p.Arg351Gln (NM_001130089.2); c.500G>A, p.Arg167Gln (NM_001378148.1); short protein forms R167Q, R323Q, R351Q.
Identifiers: ClinVar variation 5018820 (VCV005018820.2).

ClinVar aggregate classification (germline): Uncertain significance (1 of 4 stars; one submission).

Conditions:
Autosomal recessive nonsyndromic hearing loss 89. Also called: Deafness, autosomal recessive 89. Identifiers: Orphanet 90636, MedGen C3151351, MONDO:0013489, OMIM 613916.
Charcot-Marie-Tooth disease recessive intermediate B. Also called: CHARCOT-MARIE-TOOTH NEUROPATHY, RECESSIVE INTERMEDIATE B. Identifiers: Orphanet 254334, MedGen C3150897, MONDO:0013338, OMIM 613641.
Leukoencephalopathy, progressive, infantile-onset, with or without deafness. Identifiers: MedGen C5542996, MONDO:0030893, OMIM 619147.
Deafness, congenital, and adult-onset progressive leukoencephalopathy. Identifiers: MedGen C5543087, MONDO:0030967, OMIM 619196.

Submission:

Juno Genomics, Hangzhou Juno Genomics, Inc
Classification: Uncertain significance for Charcot-Marie-Tooth disease recessive intermediate B; Autosomal recessive nonsyndromic hearing loss 89; Deafness, congenital, and adult-onset progressive leukoencephalopathy; Leukoencephalopathy, progressive, infantile-onset, with or without deafness. Review status: criteria provided, single submitter. Criteria: ACMG Guidelines, 2015. Collection method: clinical testing. Allele origin: germline.
Comment: Absent from controls (or at extremely low frequency if recessive) in Genome Aggregation Database.;Multiple lines of computational evidence support a deleterious effect on the gene or gene product.